The following is an entry in ClinVar:

NM_004082.5(DCTN1):c.950G>C (p.Arg317Pro)

Gene: DCTN1 (dynactin subunit 1; minus strand). Cytogenetic location: 2p13.1.
Variant type: single nucleotide variant.
Coding change: c.950G>C on transcript NM_004082.5 (MANE Select); coding-DNA position 950, G replaced by C.
Protein change: p.Arg317Pro; replaces arginine 317 with proline.
Molecular consequence: missense variant. On other transcripts: non-coding transcript variant (1).
Genome position (GRCh38, 1-based): chr2:74,370,719, C>G on the plus strand (G>C on the coding strand, the complement: DCTN1 is on the minus strand). VCF-style: chr2-74370719-C-G. GRCh37 (hg19) VCF-style: chr2-74597846-C-G.
Other names: c.899G>C, p.Arg300Pro (NM_001378991.1); c.881G>C, p.Arg294Pro (NM_001378992.1); c.548G>C, p.Arg183Pro (NM_023019.4, NM_001135041.3); c.890G>C, p.Arg297Pro (NM_001135040.3); c.839G>C, p.Arg280Pro (NM_001190836.2); c.929G>C, p.Arg310Pro (NM_001190837.2); short protein forms R300P, R317P, R183P, R280P, R294P, R310P, R297P.
Identifiers: ClinVar variation 3730835 (VCV003730835.1).
Genomic context (GRCh38, chr2:74,370,719, plus strand): 5'-GTAGTGAGCTCGTCCACCCGCTCCTTCAGTGCCTCCACCTCCTGCTGCAGGGACTCAGCC[C>G]GCTCTTCAGCCATCTCCTTGTCCAAAGTGGCCATCTCAATGGCATCAGCAGTATCAGCCA-3'
Protein context (NP_004073.2, residues 307-327): ATLDKEMAEE[Arg317Pro]AESLQQEVEA

ClinVar aggregate classification (germline): Uncertain significance (1 of 4 stars; one submission).

Conditions:
Perry syndrome. Also called: PARKINSONISM WITH ALVEOLAR HYPOVENTILATION AND MENTAL DEPRESSION. Identifiers: Orphanet 178509, MedGen C1868594, MONDO:0008201, OMIM 168605.

Submission:

Clinical Genetics Laboratory, Skane University Hospital Lund
Classification: Uncertain significance for Perry syndrome. Last evaluated: 2025-02-17. Review status: criteria provided, single submitter. Criteria: ACMG Guidelines, 2015. Collection method: clinical testing. Allele origin: de novo. Affected: no.
Comment: PM2